The following is an entry in ClinVar:

NM_000719.7(CACNA1C):c.3097G>A (p.Val1033Met)

Gene: CACNA1C (calcium voltage-gated channel subunit alpha1 C; plus strand). Cytogenetic location: 12p13.33.
Variant type: single nucleotide variant.
Coding change: c.3097G>A on transcript NM_000719.7 (MANE Select); coding-DNA position 3097, G replaced by A.
Protein change: p.Val1033Met; replaces valine 1033 with methionine.
Molecular consequence: missense variant.
Genome position (GRCh38, 1-based): chr12:2,605,727, G>A. VCF-style: chr12-2605727-G-A. GRCh37 (hg19) VCF-style: chr12-2714893-G-A.
Other names: c.3157G>A, p.Val1053Met (NM_001129827.2, NM_001129832.2, NM_199460.4); c.3097G>A, p.Val1033Met (NM_001129829.2, NM_001129830.3, NM_001129831.2 and 15 more transcripts); c.3088G>A, p.Val1030Met (NM_001129844.2); short protein forms V1030M, V1033M, V1053M.
Identifiers: ClinVar variation 1017880 (VCV001017880.12), dbSNP rs2075018681, ClinGen allele CA383374179.

ClinVar aggregate classification (germline): Uncertain significance. Review status: criteria provided, multiple submitters, no conflicts (2 of 4 stars). 4 submissions from 4 submitters: Uncertain significance (4). Last evaluated 2024-03-12.

Conditions:
Long QT syndrome (LQTS). Identifiers: MedGen C0023976, MeSH D008133, MONDO:0002442. Disease mechanism: loss of function. Inheritance: Various modes of inheritance.
Cardiovascular phenotype. Identifiers: MedGen CN230736.
Brugada syndrome 3 (BRGDA3). Identifiers: Orphanet 130, MedGen C2678478, MONDO:0012742, OMIM 611875.
Timothy syndrome (TS). Also called: LONG QT SYNDROME WITH SYNDACTYLY. Identifiers: Orphanet 65283, MedGen C1832916, MeSH C536962, MONDO:0010979, OMIM 601005.
Long QT syndrome 8. Identifiers: MedGen CN260585, MONDO:0032756, OMIM 618447.

Allele frequency attached by ClinVar (database versions not stated): gnomAD exomes below 0.00001.
gnomAD v4.1: 2 of 1,613,994 alleles (0.00012%); highest among the groups gnomAD compares: Middle Eastern, 0.016%; no homozygotes.

Submissions (4):

Blueprint Genetics
Classification: Uncertain significance. Last evaluated: 2024-03-12. Review status: criteria provided, single submitter. Criteria: ACMG Guidelines, 2015. Collection method: clinical testing. Allele origin: germline.

Ambry Genetics
Classification: Uncertain significance for Cardiovascular phenotype. Last evaluated: 2024-02-23. Review status: criteria provided, single submitter. Criteria: Ambry Variant Classification Scheme 2023. Collection method: clinical testing. Allele origin: germline.
Comment: The p.V1033M variant (also known as c.3097G>A), located in coding exon 24 of the CACNA1C gene, results from a G to A substitution at nucleotide position 3097. The valine at codon 1033 is replaced by methionine, an amino acid with highly similar properties. This amino acid position is highly conserved in available vertebrate species. In addition, this alteration is predicted to be deleterious by in silico analysis. Based on the available evidence, the clinical significance of this alteration remains unclear.

Labcorp Genetics (formerly Invitae), Labcorp
Classification: Uncertain significance for Long QT syndrome. Last evaluated: 2022-07-17. Review status: criteria provided, single submitter. Criteria: Invitae Variant Classification Sherloc (09022015). Collection method: clinical testing. Allele origin: germline.
Comment: In summary, the available evidence is currently insufficient to determine the role of this variant in disease. Therefore, it has been classified as a Variant of Uncertain Significance. This sequence change replaces valine, which is neutral and non-polar, with methionine, which is neutral and non-polar, at codon 1033 of the CACNA1C protein (p.Val1033Met). This variant is not present in population databases (gnomAD no frequency). This variant has not been reported in the literature in individuals affected with CACNA1C-related conditions. ClinVar contains an entry for this variant (Variation ID: 1017880). Algorithms developed to predict the effect of missense changes on protein structure and function are either unavailable or do not agree on the potential impact of this missense change (SIFT: "Tolerated"; PolyPhen-2: "Probably Damaging"; Align-GVGD: "Class C0").

Fulgent Genetics
Classification: Uncertain significance for Timothy syndrome; Brugada syndrome 3; Long QT syndrome 8. Last evaluated: 2021-09-23. Review status: criteria provided, single submitter. Criteria: ACMG Guidelines, 2015. Collection method: clinical testing. Allele origin: unknown.